The following is an entry in ClinVar:

ClinVar aggregate classification (germline): Uncertain significance (1 of 4 stars; one submission).

Allele frequency attached by ClinVar (database versions not stated): gnomAD exomes below 0.00001; ExAC 0.00001.
gnomAD v4.1: 5 of 1,608,386 alleles (0.00031%); highest among the groups gnomAD compares: Admixed American, 0.0017%; no homozygotes.

Submission:

GeneDx
Classification: Uncertain significance. Last evaluated: 2019-12-13. Review status: criteria provided, single submitter. Criteria: GeneDx Variant Classification Process June 2021. Collection method: clinical testing. Allele origin: germline. Affected: yes.
Comment: Not observed at a significant frequency in large population cohorts (Lek et al., 2016); Missense variant in a gene in which most reported pathogenic variants are truncating/loss-of-function; Has not been previously published as pathogenic or benign to our knowledge

NM_001267550.2(TTN):c.5404G>A (p.Glu1802Lys)

Gene: TTN (titin; minus strand). Cytogenetic location: 2q31.2.
Variant type: single nucleotide variant.
Coding change: c.5404G>A on transcript NM_001267550.2 (MANE Select); coding-DNA position 5404, G replaced by A.
Protein change: p.Glu1802Lys; replaces glutamic acid 1802 with lysine.
Molecular consequence: missense variant.
Genome position (GRCh38, 1-based): chr2:178,776,460, C>T on the plus strand (G>A on the coding strand, the complement: TTN is on the minus strand). VCF-style: chr2-178776460-C-T. GRCh37 (hg19) VCF-style: chr2-179641187-C-T.
Other names: c.5404G>A, p.Glu1802Lys (NM_001256850.1, NM_133378.4, NM_133379.5); c.5266G>A, p.Glu1756Lys (NM_003319.4, NM_133432.3, NM_133437.4); short protein forms E1756K, E1802K.
Identifiers: ClinVar variation 1311022 (VCV001311022.2), dbSNP rs749773203, ClinGen allele CA2005187.